The following is an entry in ClinVar:

ClinVar aggregate classification (germline): Uncertain significance (1 of 4 stars; one submission).

Submission:

ARUP Laboratories, Molecular Genetics and Genomics, ARUP Laboratories
Classification: Uncertain significance. Last evaluated: 2025-03-18. Review status: criteria provided, single submitter. Criteria: ARUP Molecular Germline Variant Investigation Process 2024. Collection method: clinical testing. Allele origin: germline.
Comment: The PIEZO1 c.44_46del; p.Leu15del variant (rs1167550153), to our knowledge, is not reported in the medical literature or gene specific databases. This variant is only observed on one allele in the Genome Aggregation Database (v2.1.1), indicating it is not a common polymorphism. This variant deletes a single leucine residue leaving the rest of the protein in-frame. Due to limited information, the clinical significance of this variant is uncertain at this time.

NM_001142864.4(PIEZO1):c.38TGC[2] (p.Leu15del)

Gene: PIEZO1 (piezo type mechanosensitive ion channel component 1 (Er blood group); minus strand). Cytogenetic location: 16q24.3.
Variant type: Microsatellite.
Coding change: c.38TGC[2] on transcript NM_001142864.4 (MANE Select); two copies in a row of the 3-base unit TGC starting at c.38; the reference has three copies in a row; one copy, 3 bases deleted.
Protein change: p.Leu15del; deletes leucine 15.
Molecular consequence: inframe deletion.
Genome position (GRCh38, 1-based): chr16:88,784,919-88,784,921, GCA deleted on the plus strand (TGC on the coding strand, the reverse complement: PIEZO1 is on the minus strand); deleting any 3 consecutive bases within chr16:88,784,919-88,784,929 gives the same sequence; the position shown is the placement nearest the transcript's 3' end. VCF-style (leftmost placement, unchanged base first): chr16-88784918-GGCA-G. GRCh37 (hg19) VCF-style: chr16-88851326-GGCA-G.
Other names: short protein forms L15del.
Identifiers: ClinVar variation 4685703 (VCV004685703.1).
Genomic context (GRCh38, chr16:88,784,918, plus strand): 5'-GCAGCCCCCTCCCGTCGCCCCCAGGCGCCCGCCCCCCACTCACCAGCCAGCAGCGCGCAG[GGCA>G]GCAGCAGCCAGTACAGGACCGCGCCGAGCACGTGCGGCTCCATGGCTGGAGGGCCCAGGG-3'